The following is an entry in ClinVar:

ClinVar aggregate classification (germline): Likely benign. Review status: criteria provided, multiple submitters, no conflicts (2 of 4 stars). 3 submissions from 3 submitters: Likely benign (3). Last evaluated 2025-07-16.

Conditions:
Spastic paraplegia. Identifiers: MedGen C0037772, HP:0001258.

Allele frequency attached by ClinVar (database versions not stated): TOPMed 0.00002; gnomAD 0.00003.
gnomAD v4.1: 37 of 1,506,002 alleles (0.0025%); highest among the groups gnomAD compares: Non-Finnish European, 0.0031%; no homozygotes.

Submissions (3):

Mayo Clinic Laboratories, Mayo Clinic
Classification: Likely benign. Last evaluated: 2025-07-16. Review status: criteria provided, single submitter. Criteria: ACMG Guidelines, 2015. Collection method: clinical testing. Allele origin: germline. Observed: 1 variant allele.
Comment: BP4, BP7

Labcorp Genetics (formerly Invitae), Labcorp
Classification: Likely benign for Spastic paraplegia. Last evaluated: 2023-12-05. Review status: criteria provided, single submitter. Criteria: Invitae Variant Classification Sherloc (09022015). Collection method: clinical testing. Allele origin: germline.

Blueprint Genetics
Classification: Likely benign. Last evaluated: 2023-05-22. Review status: criteria provided, single submitter. Criteria: ACMG Guidelines, 2015. Collection method: clinical testing. Allele origin: germline.

NM_014363.6(SACS):c.93G>T (p.Val31=)

Genes: SACS (sacsin molecular chaperone; minus strand), LOC130009366 (ATAC-STARR-seq lymphoblastoid silent region 5172; plus strand). Cytogenetic location: 13q12.12.
Variant type: single nucleotide variant.
Coding change: c.93G>T on transcript NM_014363.6 (MANE Select); coding-DNA position 93, G replaced by T.
Protein change: p.Val31=; no amino-acid change (valine 31 retained).
Molecular consequence: synonymous variant. On other transcripts: 5 prime UTR variant (1).
Genome position (GRCh38, 1-based): chr13:23,375,197, C>A on the plus strand (G>T on the coding strand, the complement: SACS is on the minus strand). VCF-style: chr13-23375197-C-A. GRCh37 (hg19) VCF-style: chr13-23949336-C-A.
Other names: p.Val31=; c.-261G>T (NM_001278055.2).
Identifiers: ClinVar variation 1097943 (VCV001097943.11), dbSNP rs1235785042, ClinGen allele CA482928927.